The following is an entry in ClinVar:

ClinVar aggregate classification (germline): Uncertain significance (1 of 4 stars; one submission).

Submission:

Labcorp Genetics (formerly Invitae), Labcorp
Classification: Uncertain significance. Last evaluated: 2022-10-27. Review status: criteria provided, single submitter. Criteria: Invitae Variant Classification Sherloc (09022015). Collection method: clinical testing. Allele origin: germline.
Comment: In summary, the available evidence is currently insufficient to determine the role of this variant in disease. Therefore, it has been classified as a Variant of Uncertain Significance. Algorithms developed to predict the effect of missense changes on protein structure and function are either unavailable or do not agree on the potential impact of this missense change (SIFT: "Deleterious"; PolyPhen-2: "Probably Damaging"; Align-GVGD: "Class C0"). This variant has not been reported in the literature in individuals affected with SMARCD2-related conditions. This variant is not present in population databases (gnomAD no frequency). This sequence change replaces glycine, which is neutral and non-polar, with glutamic acid, which is acidic and polar, at codon 219 of the SMARCD2 protein (p.Gly219Glu).

NM_001098426.2(SMARCD2):c.656G>A (p.Gly219Glu)

Gene: SMARCD2 (SWI/SNF related BAF chromatin remodeling complex subunit D2; minus strand). Cytogenetic location: 17q23.3.
Variant type: single nucleotide variant.
Coding change: c.656G>A on transcript NM_001098426.2 (MANE Select); coding-DNA position 656, G replaced by A.
Protein change: p.Gly219Glu; replaces glycine 219 with glutamic acid.
Molecular consequence: missense variant.
Genome position (GRCh38, 1-based): chr17:63,835,479, C>T on the plus strand (G>A on the coding strand, the complement: SMARCD2 is on the minus strand). VCF-style: chr17-63835479-C-T. GRCh37 (hg19) VCF-style: chr17-61912839-C-T.
Other names: c.431G>A, p.Gly144Glu (NM_001330439.1); c.512G>A, p.Gly171Glu (NM_001330440.2); short protein forms G144E, G171E, G219E.
Identifiers: ClinVar variation 1721568 (VCV001721568.5), dbSNP rs2511442208, ClinGen allele CA400600860.